The following is an entry in ClinVar:

NM_080680.3(COL11A2):c.1179+4dup

Gene: COL11A2 (collagen type XI alpha 2 chain; minus strand). Cytogenetic location: 6p21.32.
Variant type: Duplication.
Coding change: c.1179+4dup on transcript NM_080680.3 (MANE Select); 4 bases into the intron after coding-DNA position 1179, one base duplicated (A; older notation c.1179+4dupA).
Molecular consequence: intron variant.
Genome position (GRCh38, 1-based): chr6:33,181,107, T duplicated on the plus strand (A on the coding strand, the reverse complement: COL11A2 is on the minus strand); the first of 2 consecutive T bases (chr6:33,181,107-33,181,108); duplicating either gives the same sequence. VCF-style (leftmost placement, unchanged base first): chr6-33181106-C-CT. GRCh37 (hg19) VCF-style: chr6-33148883-C-CT.
Other names: c.153+4dup (NM_001424111.1, NM_001424110.1); c.858+4dup (NM_080679.3); c.921+4dup (NM_080681.3); c.999+4dup (NM_001424108.1); c.333+4dup (NM_001424109.1).
Identifiers: ClinVar variation 4823127 (VCV004823127.4).
Genomic context (GRCh38, chr6:33,181,106, plus strand): 5'-GCACACTCAACCCCACTTGCTTCTCCTATTTCCACTGCCTCAGCCCTGTGACCAGCATAA[C>CT]TTACAGGTTCCAACACTGCAGGCTCTCCTTTCTCTCCCTTCAGCCCTCGGGGTCCATGGG-3'

ClinVar aggregate classification (germline): Uncertain significance (1 of 4 stars; one submission).

Submission:

CeGaT Center for Human Genetics Tuebingen
Classification: Uncertain significance. Last evaluated: 2026-01-01. Review status: criteria provided, single submitter. Criteria: CeGaT Center For Human Genetics Tuebingen Variant Classification Criteria Version 2. Collection method: clinical testing. Allele origin: germline. Affected: yes. Observed: 1 variant allele.
Comment: COL11A2: PM2, PP3